The following is an entry in ClinVar:

NM_014639.4(SKIC3):c.3825del (p.Gly1275_Leu1276insTer)

Gene: SKIC3 (SKI3 subunit of superkiller complex; minus strand). Cytogenetic location: 5q15.
Variant type: Deletion.
Coding change: c.3825del on transcript NM_014639.4 (MANE Select); coding-DNA position 3825, one base deleted (G; older notation c.3825delG).
Protein change: p.Gly1275_Leu1276insTer.
Molecular consequence: frameshift variant.
Genome position (GRCh38, 1-based): chr5:95,491,014, C deleted on the plus strand (G on the coding strand, the reverse complement: SKIC3 is on the minus strand); the first of 3 consecutive C bases (chr5:95,491,014-95,491,016); deleting any one gives the same sequence. VCF-style (leftmost placement, unchanged base first): chr5-95491013-GC-G. GRCh37 (hg19) VCF-style: chr5-94826717-GC-G.
Identifiers: ClinVar variation 2879651 (VCV002879651.3), dbSNP rs1291999233, ClinGen allele CA815802304.

ClinVar aggregate classification (germline): Pathogenic (1 of 4 stars; one submission).

Submission:

Labcorp Genetics (formerly Invitae), Labcorp
Classification: Pathogenic. Last evaluated: 2025-04-07. Review status: criteria provided, single submitter. Criteria: Invitae Variant Classification Sherloc (09022015). Collection method: clinical testing. Allele origin: germline.
Comment: This sequence change creates a premature translational stop signal (p.Leu1276*) in the TTC37 gene. It is expected to result in an absent or disrupted protein product. Loss-of-function variants in TTC37 are known to be pathogenic (PMID: 20176027, 21120949). This variant is not present in population databases (gnomAD no frequency). This variant has not been reported in the literature in individuals affected with TTC37-related conditions. ClinVar contains an entry for this variant (Variation ID: 2879651). For these reasons, this variant has been classified as Pathogenic.

Literature cited by the submitters: PubMed 20176027; PubMed 21120949.